The following is an entry in ClinVar:

NM_001111125.3(IQSEC2):c.826C>A (p.Pro276Thr)

Gene: IQSEC2 (IQ motif and Sec7 domain ArfGEF 2; minus strand). Cytogenetic location: Xp11.22.
Variant type: single nucleotide variant.
Coding change: c.826C>A on transcript NM_001111125.3 (MANE Select); coding-DNA position 826, C replaced by A.
Protein change: p.Pro276Thr; replaces proline 276 with threonine.
Molecular consequence: missense variant.
Genome position (GRCh38, 1-based): chrX:53,255,973, G>T on the plus strand (C>A on the coding strand, the complement: IQSEC2 is on the minus strand). VCF-style: chrX-53255973-G-T. GRCh37 (hg19) VCF-style: chrX-53285155-G-T.
Other names: c.211C>A, p.Pro71Thr (NM_015075.2); c.826C>A (NM_001111125.2); short protein forms P276T, P71T.
Identifiers: ClinVar variation 812005 (VCV000812005.9), dbSNP rs1556865113, ClinGen allele CA413171978.

ClinVar aggregate classification (germline): Uncertain significance. Review status: criteria provided, multiple submitters, no conflicts (2 of 4 stars). 2 submissions from 2 submitters: Uncertain significance (2). Last evaluated 2025-12-31.

Conditions:
Intellectual developmental disorder, X-linked 1. Also called: Atkin Flaitz Patil Smith syndrome; MENTAL RETARDATION, X-LINKED 18; MENTAL RETARDATION, X-LINKED 78; Intellectual disability, X-linked 1. Identifiers: Orphanet 777, MedGen C2931498, MONDO:0010656, OMIM 309530.
Inborn genetic diseases. Identifiers: MedGen C0950123, MeSH D030342.

Allele frequency attached by ClinVar (database versions not stated): gnomAD exomes 0.00001.
gnomAD v4.1: 8 of 1,192,558 alleles (0.00067%); highest among the groups gnomAD compares: Middle Eastern, 0.023%; no homozygotes.

Submissions (2):

Ambry Genetics
Classification: Uncertain significance for Inborn genetic diseases. Last evaluated: 2025-12-31. Review status: criteria provided, single submitter. Criteria: Ambry Variant Classification Scheme 2023. Collection method: clinical testing. Allele origin: germline.
Comment: The c.826C>A (p.P276T) alteration is located in exon 3 (coding exon 3) of the IQSEC2 gene. This alteration results from a C to A substitution at nucleotide position 826, causing the proline (P) at amino acid position 276 to be replaced by a threonine (T). Based on data from gnomAD, the A allele has an overall frequency of 0.001% (1/143954) total alleles studied. The highest observed frequency was 0.006% (1/15988) of South Asian alleles. Based on insufficient or conflicting evidence, the clinical significance of this alteration remains unclear.

ARUP Laboratories, Molecular Genetics and Genomics, ARUP Laboratories
Classification: Uncertain significance for Intellectual developmental disorder, X-linked 1. Last evaluated: 2019-06-10. Review status: criteria provided, single submitter. Criteria: ARUP Molecular Germline Variant Investigation Process. Collection method: clinical testing. Allele origin: germline.